The following is an entry in ClinVar:

ClinVar aggregate classification (germline): Uncertain significance. Review status: criteria provided, multiple submitters, no conflicts (2 of 4 stars). 3 submissions from 3 submitters: Uncertain significance (3). Last evaluated 2026-01-25.

Conditions:
Inborn genetic diseases. Identifiers: MedGen C0950123, MeSH D030342.

Allele frequency attached by ClinVar (database versions not stated): ExAC 0.00006; gnomAD exomes 0.00009; TOPMed 0.00004; gnomAD 0.00005.

Submissions (3):

Labcorp Genetics (formerly Invitae), Labcorp
Classification: Uncertain significance. Last evaluated: 2026-01-25. Review status: criteria provided, single submitter. Criteria: Invitae Variant Classification Sherloc (09022015). Collection method: clinical testing. Allele origin: germline.
Comment: This sequence change replaces serine, which is neutral and polar, with alanine, which is neutral and non-polar, at codon 135 of the MBD4 protein (p.Ser135Ala). This variant is present in population databases (rs200851180, gnomAD 0.01%). This variant has not been reported in the literature in individuals affected with MBD4-related conditions. ClinVar contains an entry for this variant (Variation ID: 3014703). An algorithm developed to predict the effect of missense changes on protein structure and function outputs the following: PolyPhen-2: "Benign". The alanine amino acid residue is found in multiple mammalian species, which suggests that this missense change does not adversely affect protein function. In summary, the available evidence is currently insufficient to determine the role of this variant in disease. Therefore, it has been classified as a Variant of Uncertain Significance.

CeGaT Center for Human Genetics Tuebingen
Classification: Uncertain significance. Last evaluated: 2025-08-01. Review status: criteria provided, single submitter. Criteria: CeGaT Center For Human Genetics Tuebingen Variant Classification Criteria Version 2. Collection method: clinical testing. Allele origin: germline. Affected: yes. Observed: 1 variant allele.
Comment: MBD4: PM2

Ambry Genetics
Classification: Uncertain significance for Inborn genetic diseases. Last evaluated: 2024-11-28. Review status: criteria provided, single submitter. Criteria: Ambry Variant Classification Scheme 2023. Collection method: clinical testing. Allele origin: germline.
Comment: The p.S135A variant (also known as c.403T>G), located in coding exon 3 of the MBD4 gene, results from a T to G substitution at nucleotide position 403. The serine at codon 135 is replaced by alanine, an amino acid with similar properties. This amino acid position is conserved. In addition, this alteration is predicted to be tolerated by in silico analysis. Based on the available evidence, the clinical significance of this variant remains unclear.

NM_001276270.2(MBD4):c.403T>G (p.Ser135Ala)

Gene: MBD4 (methyl-CpG binding domain 4, DNA glycosylase; minus strand). Cytogenetic location: 3q21.3.
Variant type: single nucleotide variant.
Coding change: c.403T>G on transcript NM_001276270.2 (MANE Select); coding-DNA position 403, T replaced by G.
Protein change: p.Ser135Ala; replaces serine 135 with alanine.
Molecular consequence: missense variant. On other transcripts: intron variant (1).
Genome position (GRCh38, 1-based): chr3:129,437,241, A>C on the plus strand (T>G on the coding strand, the complement: MBD4 is on the minus strand). VCF-style: chr3-129437241-A-C. GRCh37 (hg19) VCF-style: chr3-129156084-A-C.
Other names: c.403T>G, p.Ser135Ala (NM_001276271.2, NM_001276272.2, NM_003925.3); c.247+567T>G (NM_001276273.2); short protein forms S135A.
Identifiers: ClinVar variation 3014703 (VCV003014703.12), dbSNP rs200851180, ClinGen allele CA2605527.